The following is an entry in ClinVar:

NM_001267550.2(TTN):c.33113C>T (p.Pro11038Leu)

Gene: TTN (titin; minus strand). Cytogenetic location: 2q31.2.
Variant type: single nucleotide variant.
Coding change: c.33113C>T on transcript NM_001267550.2 (MANE Select); coding-DNA position 33113, C replaced by T.
Protein change: p.Pro11038Leu; replaces proline 11038 with leucine.
Molecular consequence: missense variant. On other transcripts: intron variant (3).
Genome position (GRCh38, 1-based): chr2:178,681,720, G>A on the plus strand (C>T on the coding strand, the complement: TTN is on the minus strand). VCF-style: chr2-178681720-G-A. GRCh37 (hg19) VCF-style: chr2-179546447-G-A.
Other names: c.32162C>T, p.Pro10721Leu (NM_001256850.1); c.29381C>T, p.Pro9794Leu (NM_133378.4); c.13283-39403C>T (NM_003319.4); c.13859-39403C>T (NM_133437.4); c.13658-39403C>T (NM_133432.3); short protein forms P11038L, P10721L, P9794L.
Identifiers: ClinVar variation 681984 (VCV000681984.1), dbSNP rs1426920560, ClinGen allele CA349540352.

ClinVar aggregate classification (germline): Likely benign (1 of 4 stars; one submission).

Allele frequency attached by ClinVar (database versions not stated): gnomAD 0.00001; TOPMed 0.00001.
gnomAD v4.1: 2 of 1,599,942 alleles (0.00013%); highest among the groups gnomAD compares: African/African-American, 0.0027%; no homozygotes.

Submission:

GeneDx
Classification: Likely benign. Last evaluated: 2018-04-09. Review status: criteria provided, single submitter. Criteria: GeneDx Variant Classification (06012015). Collection method: clinical testing. Allele origin: germline. Affected: yes.
Comment: This variant is considered likely benign or benign based on one or more of the following criteria: it is a conservative change, it occurs at a poorly conserved position in the protein, it is predicted to be benign by multiple in silico algorithms, and/or has population frequency not consistent with disease.